The following is an entry in ClinVar:

ClinVar aggregate classification (germline): Conflicting classifications of pathogenicity. Review status: criteria provided, conflicting classifications (1 of 4 stars). 2 submissions from 2 submitters: Uncertain significance (1); Likely benign (1). Last evaluated 2024-02-24.

Conditions:
Charcot-Marie-Tooth disease type 2. Also called: Charcot-Marie-Tooth type 2. Identifiers: Orphanet 64746, MedGen C0270914, MONDO:0018993.

Allele frequency attached by ClinVar (database versions not stated): ExAC 0.00002; gnomAD exomes below 0.00001; TOPMed 0.00002.
gnomAD v4.1: 4 of 1,612,836 alleles (0.00025%); highest among the groups gnomAD compares: East Asian, 0.0089%; no homozygotes.

Submissions (2):

Labcorp Genetics (formerly Invitae), Labcorp
Classification: Uncertain significance for Charcot-Marie-Tooth disease type 2. Last evaluated: 2024-02-24. Review status: criteria provided, single submitter. Criteria: Invitae Variant Classification Sherloc (09022015). Collection method: clinical testing. Allele origin: germline.
Comment: This sequence change replaces arginine, which is basic and polar, with tryptophan, which is neutral and slightly polar, at codon 1274 of the KIF1B protein (p.Arg1274Trp). This variant is present in population databases (rs764473301, gnomAD 0.03%). This variant has not been reported in the literature in individuals affected with KIF1B-related conditions. ClinVar contains an entry for this variant (Variation ID: 1735267). An algorithm developed to predict the effect of missense changes on protein structure and function (PolyPhen-2) suggests that this variant is likely to be disruptive. In summary, the available evidence is currently insufficient to determine the role of this variant in disease. Therefore, it has been classified as a Variant of Uncertain Significance.

Ambry Genetics
Classification: Likely benign. Last evaluated: 2021-08-25. Review status: criteria provided, single submitter. Criteria: Ambry Variant Classification Scheme 2023. Collection method: clinical testing. Allele origin: germline.

NM_001365951.3(KIF1B):c.3958C>T (p.Arg1320Trp)

Gene: KIF1B (kinesin family member 1B; plus strand). Cytogenetic location: 1p36.22.
Variant type: single nucleotide variant.
Coding change: c.3958C>T on transcript NM_001365951.3 (MANE Select); coding-DNA position 3958, C replaced by T.
Protein change: p.Arg1320Trp; replaces arginine 1320 with tryptophan.
Molecular consequence: missense variant.
Genome position (GRCh38, 1-based): chr1:10,352,639, C>T. VCF-style: chr1-10352639-C-T. GRCh37 (hg19) VCF-style: chr1-10412697-C-T.
Other names: c.3958C>T, p.Arg1320Trp (NM_001365952.1); c.3820C>T, p.Arg1274Trp (NM_015074.3); short protein forms R1274W, R1320W.
Identifiers: ClinVar variation 1735267 (VCV001735267.7), dbSNP rs764473301, ClinGen allele CA581955.